The following is an entry in ClinVar:

ClinVar aggregate classification (germline): Uncertain significance. Review status: criteria provided, multiple submitters, no conflicts (2 of 4 stars). 2 submissions from 2 submitters: Uncertain significance (2). Last evaluated 2026-04-30.

Conditions:
Multiple endocrine neoplasia, type 2 (MEN2). Identifiers: Orphanet 653, MedGen C4048306, MONDO:0019003. Disease mechanism: gain of function.
Hereditary cancer-predisposing syndrome. Also called: Hereditary neoplastic syndrome; Neoplastic Syndromes, Hereditary; Tumor predisposition; Hereditary Cancer Syndrome. Identifiers: Orphanet 140162, MedGen C0027672, MeSH D009386, MONDO:0015356.

gnomAD v4.1: 1 of 1,614,200 alleles (0.000062%); highest among the groups gnomAD compares: Non-Finnish European, 0.000085%; no homozygotes.

Submissions (2):

Ambry Genetics
Classification: Uncertain significance for Hereditary cancer-predisposing syndrome. Last evaluated: 2026-04-30. Review status: criteria provided, single submitter. Criteria: Ambry Variant Classification Scheme 2023. Collection method: clinical testing. Allele origin: germline.
Comment: The p.Q194R variant (also known as c.581A>G), located in coding exon 3 of the RET gene, results from an A to G substitution at nucleotide position 581. The glutamine at codon 194 is replaced by arginine, an amino acid with highly similar properties. This amino acid position is well conserved in available vertebrate species. In addition, this alteration is predicted to be tolerated by in silico analysis. Based on the available evidence, the clinical significance of this variant remains unclear.

Labcorp Genetics (formerly Invitae), Labcorp
Classification: Uncertain significance for Multiple endocrine neoplasia, type 2. Last evaluated: 2025-11-02. Review status: criteria provided, single submitter. Criteria: Invitae Variant Classification Sherloc (09022015). Collection method: clinical testing. Allele origin: germline.
Comment: This sequence change replaces glutamine, which is neutral and polar, with arginine, which is basic and polar, at codon 194 of the RET protein (p.Gln194Arg). This variant is not present in population databases (gnomAD no frequency). This variant has not been reported in the literature in individuals affected with RET-related conditions. An algorithm developed to predict the effect of missense changes on protein structure and function (PolyPhen-2) suggests that this variant is likely to be tolerated. In summary, the available evidence is currently insufficient to determine the role of this variant in disease. Therefore, it has been classified as a Variant of Uncertain Significance.

NM_020975.6(RET):c.581A>G (p.Gln194Arg)

Gene: RET (ret proto-oncogene; plus strand). Cytogenetic location: 10q11.21.
Variant type: single nucleotide variant.
Coding change: c.581A>G on transcript NM_020975.6 (MANE Select); coding-DNA position 581, A replaced by G.
Protein change: p.Gln194Arg; replaces glutamine 194 with arginine.
Molecular consequence: missense variant. On other transcripts: intron variant (15).
Genome position (GRCh38, 1-based): chr10:43,102,585, A>G. VCF-style: chr10-43102585-A-G. GRCh37 (hg19) VCF-style: chr10-43598033-A-G.
Other names: c.581A>G, p.Gln194Arg (NM_001406743.1, NM_001406744.1, NM_001406759.1 and 14 more transcripts); c.452A>G, p.Gln151Arg (NM_001406761.1, NM_001406762.1, NM_001406764.1 and 4 more transcripts); c.337+1863A>G (NM_001406770.1, NM_001406766.1, NM_001406767.1 and 8 more transcripts); c.74-6446A>G (NM_001406784.1); c.74-9514A>G (NM_001406794.1, NM_001406792.1, NM_001406793.1); short protein forms Q151R, Q194R.
Identifiers: ClinVar variation 4778776 (VCV004778776.2).